The following is an entry in ClinVar:

NM_020638.3(FGF23):c.674G>A (p.Gly225Glu)

Gene: FGF23 (fibroblast growth factor 23; minus strand). Cytogenetic location: 12p13.32.
Variant type: single nucleotide variant.
Coding change: c.674G>A on transcript NM_020638.3 (MANE Select); coding-DNA position 674, G replaced by A.
Protein change: p.Gly225Glu; replaces glycine 225 with glutamic acid.
Molecular consequence: missense variant.
Genome position (GRCh38, 1-based): chr12:4,370,425, C>T on the plus strand (G>A on the coding strand, the complement: FGF23 is on the minus strand). VCF-style: chr12-4370425-C-T. GRCh37 (hg19) VCF-style: chr12-4479591-C-T.
Other names: short protein forms G225E.
Identifiers: ClinVar variation 1931449 (VCV001931449.5), dbSNP rs2497235710, ClinGen allele CA383415805.

ClinVar aggregate classification (germline): Uncertain significance (1 of 4 stars; one submission).

Submission:

Labcorp Genetics (formerly Invitae), Labcorp
Classification: Uncertain significance. Last evaluated: 2023-08-27. Review status: criteria provided, single submitter. Criteria: Invitae Variant Classification Sherloc (09022015). Collection method: clinical testing. Allele origin: germline.
Comment: This sequence change replaces glycine, which is neutral and non-polar, with glutamic acid, which is acidic and polar, at codon 225 of the FGF23 protein (p.Gly225Glu). This variant is not present in population databases (gnomAD no frequency). This variant has not been reported in the literature in individuals affected with FGF23-related conditions. ClinVar contains an entry for this variant (Variation ID: 1931449). Algorithms developed to predict the effect of missense changes on protein structure and function output the following: SIFT: "Not Available"; PolyPhen-2: "Benign"; Align-GVGD: "Not Available". The glutamic acid amino acid residue is found in multiple mammalian species, which suggests that this missense change does not adversely affect protein function. In summary, the available evidence is currently insufficient to determine the role of this variant in disease. Therefore, it has been classified as a Variant of Uncertain Significance.